The following is an entry in ClinVar:

ClinVar aggregate classification (germline): Pathogenic (1 of 4 stars; one submission).

Submission:

ISCA site 4
Classification: Pathogenic. Last evaluated: 2011-08-12. Review status: criteria provided, single submitter. Criteria: Kaminsky et al. (Genet Med. 2011). Collection method: clinical testing. Allele origin: unknown. Affected: yes. Observed: 1 variant allele.
Comment: Copy number variation identified through the course of routine clinical cytogenomic testing in postnatal populations. Clinical assertions have been curated as described in Kaminsky et al. 2011.

GRCh38/hg38 6q27(chr6:169441378-170612001)x1

Genes: C6orf120 (chromosome 6 open reading frame 120; plus strand), DLL1 (delta like canonical Notch ligand 1; minus strand), DYNLT2 (dynein light chain Tctex-type 2; minus strand), ERMARD (ER membrane associated RNA degradation; plus strand), FAM120B (family with sequence similarity 120 member B; plus strand) and 37 more. Cytogenetic location: 6q27.
Variant type: copy number loss.
Change: copy number 1 (one copy instead of two) of chr6:169,441,378-170,612,001 (1.17 Mb, GRCh38 coordinates, 1-based), cytogenetic band 6q27.
Identifiers: ClinVar variation 57021 (VCV000057021.1).